The following is an entry in ClinVar:

NM_001127222.2(CACNA1A):c.3148A>G (p.Ile1050Val)

Gene: CACNA1A (calcium voltage-gated channel subunit alpha1 A; minus strand). Cytogenetic location: 19p13.13.
Variant type: single nucleotide variant.
Coding change: c.3148A>G on transcript NM_001127222.2 (MANE Select); coding-DNA position 3148, A replaced by G.
Protein change: p.Ile1050Val; replaces isoleucine 1050 with valine.
Molecular consequence: missense variant.
Genome position (GRCh38, 1-based): chr19:13,286,908, T>C on the plus strand (A>G on the coding strand, the complement: CACNA1A is on the minus strand). VCF-style: chr19-13286908-T-C. GRCh37 (hg19) VCF-style: chr19-13397722-T-C.
Other names: c.3160A>G, p.Ile1054Val (NM_000068.4, NM_023035.3); c.3151A>G, p.Ile1051Val (NM_001127221.2, NM_001174080.2); short protein forms I1050V, I1051V, I1054V.
Identifiers: ClinVar variation 2632206 (VCV002632206.1), dbSNP rs2512858060, ClinGen allele CA404341972.

ClinVar aggregate classification (germline): Uncertain significance (1 of 4 stars; one submission).

Conditions:
CACNA1A-related disorder. Also called: CACNA1A-related condition.

Submission:

PreventionGenetics, part of Exact Sciences
Classification: Uncertain significance for CACNA1A-related condition. Last evaluated: 2023-05-21. Review status: criteria provided, single submitter. Criteria: ACMG Guidelines, 2015. Collection method: clinical testing. Allele origin: germline.
Comment: The CACNA1A c.3148A>G variant is predicted to result in the amino acid substitution p.Ile1050Val. To our knowledge, this variant has not been reported in the literature or in a large population database, indicating this variant is rare. At this time, the clinical significance of this variant is uncertain due to the absence of conclusive functional and genetic evidence.